The following is an entry in ClinVar:

NM_002633.3(PGM1):c.770T>C (p.Phe257Ser)

Gene: PGM1 (phosphoglucomutase 1; plus strand). Cytogenetic location: 1p31.3.
Variant type: single nucleotide variant.
Coding change: c.770T>C on transcript NM_002633.3 (MANE Select); coding-DNA position 770, T replaced by C.
Protein change: p.Phe257Ser; replaces phenylalanine 257 with serine.
Molecular consequence: missense variant.
Genome position (GRCh38, 1-based): chr1:63,634,916, T>C. VCF-style: chr1-63634916-T-C. GRCh37 (hg19) VCF-style: chr1-64100587-T-C.
Other names: c.824T>C, p.Phe275Ser (NM_001172818.1); c.179T>C, p.Phe60Ser (NM_001172819.2); short protein forms F257S, F275S, F60S.
Identifiers: ClinVar variation 2041384 (VCV002041384.1), dbSNP rs777478453, ClinGen allele CA889628.

ClinVar aggregate classification (germline): Uncertain significance (1 of 4 stars; one submission).

Conditions:
PGM1-congenital disorder of glycosylation. Also called: GLYCOGEN STORAGE DISEASE XIV; GSD XIV; Congenital disorder of glycosylation type 1t; PHOSPHOGLUCOMUTASE 1 DEFICIENCY; PGM1 DEFICIENCY; CDG It. Identifiers: Orphanet 319646, MedGen C2752015, MONDO:0013968, OMIM 614921.

Allele frequency attached by ClinVar (database versions not stated): gnomAD exomes below 0.00001; ExAC 0.00001.
gnomAD v4.1: 2 of 1,613,788 alleles (0.00012%); highest among the groups gnomAD compares: South Asian, 0.0022%; no homozygotes.

Submission:

Labcorp Genetics (formerly Invitae), Labcorp
Classification: Uncertain significance for PGM1-congenital disorder of glycosylation. Last evaluated: 2022-07-06. Review status: criteria provided, single submitter. Criteria: Invitae Variant Classification Sherloc (09022015). Collection method: clinical testing. Allele origin: germline.
Comment: This sequence change replaces phenylalanine, which is neutral and non-polar, with serine, which is neutral and polar, at codon 257 of the PGM1 protein (p.Phe257Ser). This variant is present in population databases (rs777478453, gnomAD 0.003%). This variant has not been reported in the literature in individuals affected with PGM1-related conditions. Algorithms developed to predict the effect of missense changes on protein structure and function (SIFT, PolyPhen-2, Align-GVGD) all suggest that this variant is likely to be disruptive. In summary, the available evidence is currently insufficient to determine the role of this variant in disease. Therefore, it has been classified as a Variant of Uncertain Significance.